The following is an entry in ClinVar:

NM_000038.6(APC):c.8072A>C (p.Asn2691Thr)

Gene: APC (APC regulator of Wnt signaling pathway; plus strand). Cytogenetic location: 5q22.2.
Variant type: single nucleotide variant.
Coding change: c.8072A>C on transcript NM_000038.6 (MANE Select); coding-DNA position 8072, A replaced by C.
Protein change: p.Asn2691Thr; replaces asparagine 2691 with threonine.
Molecular consequence: missense variant. On other transcripts: non-coding transcript variant (2).
Genome position (GRCh38, 1-based): chr5:112,843,666, A>C. VCF-style: chr5-112843666-A-C. GRCh37 (hg19) VCF-style: chr5-112179363-A-C.
Other names: c.8072A>C, p.Asn2691Thr (NM_001127510.3, NM_001354895.2, NM_001407450.1); c.8018A>C, p.Asn2673Thr (NM_001127511.3); c.8126A>C, p.Asn2709Thr (NM_001354896.2, NM_001407447.1, NM_001407448.1 and 1 more transcripts); c.8102A>C, p.Asn2701Thr (NM_001354897.2); c.7997A>C, p.Asn2666Thr (NM_001354898.2); c.7988A>C, p.Asn2663Thr (NM_001354899.2); c.7949A>C, p.Asn2650Thr (NM_001354900.2); c.7895A>C, p.Asn2632Thr (NM_001354901.2, NM_001407453.1); and 11 more; short protein forms N2307T, N2632T, N2650T, N2673T, N2709T, N2600T, N2608T, N2681T.
Identifiers: ClinVar variation 4587779 (VCV004587779.1).

ClinVar aggregate classification (germline): Uncertain significance (1 of 4 stars; one submission).

Conditions:
Hereditary cancer-predisposing syndrome. Also called: Neoplastic Syndromes, Hereditary; Tumor predisposition; Hereditary Cancer Syndrome; Hereditary neoplastic syndrome. Identifiers: Orphanet 140162, MedGen C0027672, MeSH D009386, MONDO:0015356.

Submission:

Ambry Genetics
Classification: Uncertain significance for Hereditary cancer-predisposing syndrome. Last evaluated: 2025-10-30. Review status: criteria provided, single submitter. Criteria: Ambry Variant Classification Scheme 2023. Collection method: clinical testing. Allele origin: germline.
Comment: The p.N2691T variant (also known as c.8072A>C), located in coding exon 15 of the APC gene, results from an A to C substitution at nucleotide position 8072. The asparagine at codon 2691 is replaced by threonine, an amino acid with similar properties. This amino acid position is conserved. In addition, in silico predictors for this gene do not accurately predict pathogenicity. Based on the available evidence, the clinical significance of this variant remains unclear.